The following is an entry in ClinVar:

ClinVar aggregate classification (germline): Benign/Likely benign. Review status: criteria provided, multiple submitters, no conflicts (2 of 4 stars). 7 submissions from 7 submitters: Benign (3); Likely benign (3). 1 of the submissions does not count toward it. Last evaluated 2026-01-25.

Conditions:
Roberts-SC phocomelia syndrome (RBS). Also called: LONG BONE DEFICIENCIES ASSOCIATED WITH CLEFT LIP-PALATE; Hypomelia hypotrichosis facial hemangioma syndrome; ESCO2 Spectrum Disorder; Pseudothalidomide syndrome; Appelt-Gerken-Lenz syndrome. Identifiers: Orphanet 3103, MedGen C0392475, MONDO:0100253, OMIM 268300.

Allele frequency attached by ClinVar (database versions not stated): gnomAD exomes 0.00064 and 0.00130; ExAC 0.00127; ESP Exome Variant Server 0.00292; gnomAD 0.00313 and 0.00321; TOPMed 0.00320; 1000 Genomes Project 0.00459; 1000 Genomes Project 30x 0.00484.
gnomAD v4.1: 1,496 of 1,613,982 alleles (0.093%); highest among the groups gnomAD compares: African/African-American, 0.89%; 7 homozygotes.

Submissions (7):

Labcorp Genetics (formerly Invitae), Labcorp
Classification: Benign. Last evaluated: 2026-01-25. Review status: criteria provided, single submitter. Criteria: Invitae Variant Classification Sherloc (09022015). Collection method: clinical testing. Allele origin: germline.

CeGaT Center for Human Genetics Tuebingen
Classification: Likely benign. Last evaluated: 2025-12-01. Review status: criteria provided, single submitter. Criteria: CeGaT Center For Human Genetics Tuebingen Variant Classification Criteria Version 2. Collection method: clinical testing. Allele origin: germline. Affected: yes. Observed: 7 variant alleles.
Comment: ESCO2: BP4, BP7

Blueprint Genetics
Classification: Likely benign. Last evaluated: 2024-10-31. Review status: criteria provided, single submitter. Criteria: ACMG Guidelines, 2015. Collection method: clinical testing. Allele origin: germline.

GeneDx
Classification: Benign. Last evaluated: 2019-07-18. Review status: criteria provided, single submitter. Criteria: GeneDx Variant Classification Process June 2021. Collection method: clinical testing. Allele origin: germline. Affected: yes.

Illumina Laboratory Services, Illumina
Classification: Likely benign for Roberts-SC phocomelia syndrome. Last evaluated: 2018-01-13. Review status: criteria provided, single submitter. Criteria: ICSL Variant Classification Criteria 13 December 2019. Collection method: clinical testing. Allele origin: germline.
Comment: This variant was observed in the ICSL laboratory as part of a predisposition screen in an ostensibly healthy population. It had not been previously curated by ICSL or reported in the Human Gene Mutation Database (HGMD: prior to June 1st, 2018), and was therefore a candidate for classification through an automated scoring system. Utilizing variant allele frequency, disease prevalence and penetrance estimates, and inheritance mode, an automated score was calculated to assess if this variant is too frequent to cause the disease. Based on the score and internal cut-off values, a variant classified as likely benign is not then subjected to further curation. The score for this variant resulted in a classification of likely benign for this disease.

Eurofins Ntd Llc (ga)
Classification: Benign. Last evaluated: 2016-12-02. Review status: criteria provided, single submitter. Criteria: EGL Classification Definitions 2015. Collection method: clinical testing. Allele origin: germline. Observed: 1 variant allele, 1 heterozygote.

Natera, Inc.
Classification: Benign for Roberts syndrome. Last evaluated: 2020-09-16. Review status: no assertion criteria provided. Collection method: clinical testing. Allele origin: germline. Not counted in ClinVar's aggregate classification.

NM_001017420.3(ESCO2):c.1647T>C (p.Ile549=)

Gene: ESCO2 (establishment of sister chromatid cohesion N-acetyltransferase 2; plus strand). Cytogenetic location: 8p21.1.
Variant type: single nucleotide variant.
Coding change: c.1647T>C on transcript NM_001017420.3 (MANE Select); coding-DNA position 1647, T replaced by C.
Protein change: p.Ile549=; no amino-acid change (isoleucine 549 retained).
Molecular consequence: synonymous variant.
Genome position (GRCh38, 1-based): chr8:27,799,690, T>C. VCF-style: chr8-27799690-T-C. GRCh37 (hg19) VCF-style: chr8-27657207-T-C.
Identifiers: ClinVar variation 362744 (VCV000362744.47), dbSNP rs73568217, ClinGen allele CA4692363.